The following is an entry in ClinVar:

ClinVar aggregate classification (germline): Uncertain significance. Review status: criteria provided, multiple submitters, no conflicts (2 of 4 stars). 4 submissions from 4 submitters: Uncertain significance (4). Last evaluated 2025-11-18.

Conditions:
Inborn genetic diseases. Identifiers: MedGen C0950123, MeSH D030342.
Fanconi anemia (FA). Also called: Fanconi's anemia. Identifiers: Orphanet 84, MedGen C0015625, MeSH D005199, MONDO:0019391.

Allele frequency attached by ClinVar (database versions not stated): gnomAD exomes below 0.00001 and 0.00001; ExAC 0.00001; gnomAD 0.00001 and 0.00002; TOPMed 0.00002; ESP Exome Variant Server 0.00008.

Submissions (4):

Labcorp Genetics (formerly Invitae), Labcorp
Classification: Uncertain significance for Fanconi anemia. Last evaluated: 2025-11-18. Review status: criteria provided, single submitter. Criteria: Invitae Variant Classification Sherloc (09022015). Collection method: clinical testing. Allele origin: germline.
Comment: This sequence change replaces aspartic acid, which is acidic and polar, with histidine, which is basic and polar, at codon 1119 of the FANCM protein (p.Asp1119His). This variant is present in population databases (rs370618524, gnomAD 0.007%). This variant has not been reported in the literature in individuals affected with FANCM-related conditions. ClinVar contains an entry for this variant (Variation ID: 846817). An algorithm developed to predict the effect of missense changes on protein structure and function (PolyPhen-2) suggests that this variant is likely to be disruptive. In summary, the available evidence is currently insufficient to determine the role of this variant in disease. Therefore, it has been classified as a Variant of Uncertain Significance.

Ambry Genetics
Classification: Uncertain significance for Inborn genetic diseases. Last evaluated: 2024-11-30. Review status: criteria provided, single submitter. Criteria: Ambry Variant Classification Scheme 2023. Collection method: clinical testing. Allele origin: germline.
Comment: The p.D1119H variant (also known as c.3355G>C), located in coding exon 14 of the FANCM gene, results from a G to C substitution at nucleotide position 3355. The aspartic acid at codon 1119 is replaced by histidine, an amino acid with similar properties. This amino acid position is conserved. In addition, this alteration is predicted to be tolerated by in silico analysis. Based on the available evidence, the clinical significance of this variant remains unclear.

GeneDx
Classification: Uncertain significance. Last evaluated: 2024-08-20. Review status: criteria provided, single submitter. Criteria: GeneDx Variant Classification Process June 2021. Collection method: clinical testing. Allele origin: germline. Affected: yes.
Comment: Not observed at significant frequency in large population cohorts (gnomAD); In silico analysis indicates that this missense variant does not alter protein structure/function; Has not been previously published as pathogenic or benign to our knowledge

Quest Diagnostics Nichols Institute San Juan Capistrano
Classification: Uncertain significance. Last evaluated: 2022-12-16. Review status: criteria provided, single submitter. Criteria: Quest Diagnostics criteria. Collection method: clinical testing. Allele origin: unknown.
Comment: The frequency of this variant in the general population, 0.000004 (1/250898 chromosomes), is uninformative in assessment of its pathogenicity. In the published literature, the variant has been reported in an individual with breast cancer (PMID: 33471991 (2021), see also LOVD). Analysis of this variant using bioinformatics tools for the prediction of the effect of amino acid changes on protein structure and function yielded predictions that this variant is benign. Based on the available information, we are unable to determine the clinical significance of this variant.

Literature cited by the submitters: PubMed 33471991 (cited by Quest Diagnostics Nichols Institute San Juan Capistrano).

NM_020937.4(FANCM):c.3355G>C (p.Asp1119His)

Gene: FANCM (FA complementation group M; plus strand). Cytogenetic location: 14q21.2.
Variant type: single nucleotide variant.
Coding change: c.3355G>C on transcript NM_020937.4 (MANE Select); coding-DNA position 3355, G replaced by C.
Protein change: p.Asp1119His; replaces aspartic acid 1119 with histidine.
Molecular consequence: missense variant.
Genome position (GRCh38, 1-based): chr14:45,176,109, G>C. VCF-style: chr14-45176109-G-C. GRCh37 (hg19) VCF-style: chr14-45645312-G-C.
Other names: c.3277G>C, p.Asp1093His (NM_001308133.2); c.3355G>C (NM_020937.3); short protein forms D1093H, D1119H.
Identifiers: ClinVar variation 846817 (VCV000846817.14), dbSNP rs370618524, ClinGen allele CA7169499.